The following is an entry in ClinVar:

ClinVar aggregate classification (germline): Conflicting classifications of pathogenicity. Review status: criteria provided, conflicting classifications (1 of 4 stars). 6 submissions from 6 submitters: Uncertain significance (2); Likely benign (4). Last evaluated 2026-01-28.

Conditions:
Inborn genetic diseases. Identifiers: MedGen C0950123, MeSH D030342.
Benign neonatal seizures. Also called: Convulsions benign familial neonatal dominant form; Autosomal dominant form of benign neonatal seizures; Benign familial neonatal seizures; Benign neonatal familial convulsions; Benign familial neonatal epilepsy. Identifiers: Orphanet 1949, MedGen C0220669, MONDO:0016027.
KCNQ3-related disorder. Also called: KCNQ3-Related Disorders; KCNQ3-related condition. Identifiers: MedGen CN381530.

Allele frequency attached by ClinVar (database versions not stated): ExAC below 0.00001; TOPMed 0.00002; gnomAD 0.00003 and 0.00002; gnomAD exomes 0.00005 and 0.00001; 1000 Genomes Project 30x 0.00016; 1000 Genomes Project 0.00020.
gnomAD v4.1: 71 of 1,549,928 alleles (0.0046%); highest among the groups gnomAD compares: East Asian, 0.017%; no homozygotes.

Submissions (6):

Labcorp Genetics (formerly Invitae), Labcorp
Classification: Uncertain significance for Benign neonatal seizures. Last evaluated: 2026-01-28. Review status: criteria provided, single submitter. Criteria: Invitae Variant Classification Sherloc (09022015). Collection method: clinical testing. Allele origin: germline.
Comment: This sequence change affects codon 348 of the KCNQ3 mRNA. It is a 'silent' change, meaning that it does not change the encoded amino acid sequence of the KCNQ3 protein. This variant also falls at the last nucleotide of exon 6, which is part of the consensus splice site for this exon. The frequency data for this variant in the population databases is considered unreliable, as metrics indicate poor data quality at this position in the gnomAD database. This variant has not been reported in the literature in individuals affected with KCNQ3-related conditions. ClinVar contains an entry for this variant (Variation ID: 679840). Variants that disrupt the consensus splice site are a relatively common cause of aberrant splicing (PMID: 17576681, 9536098). Algorithms developed to predict the effect of sequence changes on RNA splicing suggest that this variant is not likely to affect RNA splicing. In summary, the available evidence is currently insufficient to determine the role of this variant in disease. Therefore, it has been classified as a Variant of Uncertain Significance.

CeGaT Center for Human Genetics Tuebingen
Classification: Likely benign. Last evaluated: 2026-01-01. Review status: criteria provided, single submitter. Criteria: CeGaT Center For Human Genetics Tuebingen Variant Classification Criteria Version 2. Collection method: clinical testing. Allele origin: germline. Affected: yes. Observed: 2 variant alleles.
Comment: KCNQ3: BP4, BP7

PreventionGenetics, part of Exact Sciences
Classification: Likely benign for KCNQ3-related condition. Last evaluated: 2025-04-07. Review status: criteria provided, single submitter. Criteria: ACMG Guidelines, 2015. Collection method: clinical testing. Allele origin: germline.
Comment: This variant is classified as likely benign based on ACMG/AMP sequence variant interpretation guidelines (Richards et al. 2015 PMID: 25741868, with internal and published modifications).

Ambry Genetics
Classification: Uncertain significance for Inborn genetic diseases. Last evaluated: 2024-10-04. Review status: criteria provided, single submitter. Criteria: Ambry Variant Classification Scheme 2023. Collection method: clinical testing. Allele origin: germline.
Comment: Occurs in the last base pair of the exon Based on insufficient or conflicting evidence, the clinical significance of this alteration remains unclear.

Blueprint Genetics
Classification: Likely benign. Last evaluated: 2024-07-30. Review status: criteria provided, single submitter. Criteria: ACMG Guidelines, 2015. Collection method: clinical testing. Allele origin: germline.

GeneDx
Classification: Likely benign. Last evaluated: 2018-04-25. Review status: criteria provided, single submitter. Criteria: GeneDx Variant Classification (06012015). Collection method: clinical testing. Allele origin: germline. Affected: yes.
Comment: This variant is considered likely benign or benign based on one or more of the following criteria: it is a conservative change, it occurs at a poorly conserved position in the protein, it is predicted to be benign by multiple in silico algorithms, and/or has population frequency not consistent with disease.

Literature cited by the submitters: PubMed 17576681 (cited by Labcorp Genetics (formerly Invitae), Labcorp); PubMed 9536098 (cited by Labcorp Genetics (formerly Invitae), Labcorp).

NM_004519.4(KCNQ3):c.1044G>A (p.Ala348=)

Gene: KCNQ3 (potassium voltage-gated channel subfamily Q member 3; minus strand). Cytogenetic location: 8q24.22.
Variant type: single nucleotide variant.
Coding change: c.1044G>A on transcript NM_004519.4 (MANE Select); coding-DNA position 1044, G replaced by A.
Protein change: p.Ala348=; no amino-acid change (alanine 348 retained).
Molecular consequence: synonymous variant.
Genome position (GRCh38, 1-based): chr8:132,174,239, C>T on the plus strand (G>A on the coding strand, the complement: KCNQ3 is on the minus strand). VCF-style: chr8-132174239-C-T. GRCh37 (hg19) VCF-style: chr8-133186486-C-T.
Other names: c.684G>A, p.Ala228= (NM_001204824.2).
Identifiers: ClinVar variation 679840 (VCV000679840.31), dbSNP rs541549782, ClinGen allele CA4880799.
Genomic context (GRCh38, chr8:132,174,239, plus strand): 5'-ACCAGGCGGTAAGGGGTCCTGCACGTCACATTGGGGATGTCATATATCAAAGGTACTTAC[C>T]GCTGGAAGGGCAAAAAAGGAGACGCCAATTAAGGAAAAGGTGGCGGCAATCAGACGGCCT-3'
Protein context (NP_004510.1, residues 338-358): LIGVSFFALP[Ala348=]GILGSGLALK